The following is an entry in ClinVar:

ClinVar aggregate classification (germline): Uncertain significance (1 of 4 stars; one submission).

Conditions:
Inborn genetic diseases. Identifiers: MedGen C0950123, MeSH D030342.

Submission:

Ambry Genetics
Classification: Uncertain significance for Inborn genetic diseases. Last evaluated: 2022-01-31. Review status: criteria provided, single submitter. Criteria: Ambry Variant Classification Scheme 2023. Collection method: clinical testing. Allele origin: germline.
Comment: The p.E308A variant (also known as c.923A>C), located in coding exon 4 of the ATR gene, results from an A to C substitution at nucleotide position 923. The glutamic acid at codon 308 is replaced by alanine, an amino acid with dissimilar properties. This amino acid position is conserved. In addition, this alteration is predicted to be tolerated by in silico analysis. Since supporting evidence is limited at this time, the clinical significance of this alteration remains unclear.

NM_001184.4(ATR):c.923A>C (p.Glu308Ala)

Gene: ATR (ATR checkpoint kinase; minus strand). Cytogenetic location: 3q23.
Variant type: single nucleotide variant.
Coding change: c.923A>C on transcript NM_001184.4 (MANE Select); coding-DNA position 923, A replaced by C.
Protein change: p.Glu308Ala; replaces glutamic acid 308 with alanine.
Molecular consequence: missense variant.
Genome position (GRCh38, 1-based): chr3:142,562,479, T>G on the plus strand (A>C on the coding strand, the complement: ATR is on the minus strand). VCF-style: chr3-142562479-T-G. GRCh37 (hg19) VCF-style: chr3-142281321-T-G.
Other names: c.923A>C, p.Glu308Ala (NM_001354579.2); short protein forms E308A.
Identifiers: ClinVar variation 1766278 (VCV001766278.2), dbSNP rs891803932, ClinGen allele CA84755625.
Genomic context (GRCh38, chr3:142,562,479, plus strand): 5'-ATGACACAGAGTTTTTCCAGCAGCATATTTAAATAGACAGGTTCAATATTTCTATAAGCT[T>G]CTGCTTCAAAGGGAAATAGTGTCTTTATCAGCTTTGATAATGGCTCTTCATAGAGTTTCA-3'
Protein context (NP_001175.2, residues 298-318): LIKTLFPFEA[Glu308Ala]AYRNIEPVYL